The following is an entry in ClinVar:

ClinVar aggregate classification (germline): Conflicting classifications of pathogenicity. Review status: criteria provided, conflicting classifications (1 of 4 stars). 2 submissions from 2 submitters: Uncertain significance (1); Likely benign (1). Last evaluated 2026-01-14.

Conditions:
Psoriasis 2. Identifiers: MedGen C1864497, MONDO:0011269, OMIM 602723.
Pityriasis rubra pilaris (PRP). Also called: Pityriasis rubra pilaris--familial type. Identifiers: Orphanet 2897, MedGen C0032027, MONDO:0100017, OMIM 173200, MONDO:0008251.

Allele frequency attached by ClinVar (database versions not stated): TOPMed 0.00003; gnomAD exomes 0.00004 and 0.00005; ExAC 0.00006; gnomAD 0.00006 and 0.00007.
gnomAD v4.1: 60 of 1,605,186 alleles (0.0037%); highest among the groups gnomAD compares: Admixed American, 0.0051%; no homozygotes.

Submissions (2):

Labcorp Genetics (formerly Invitae), Labcorp
Classification: Likely benign for Pityriasis rubra pilaris; Psoriasis 2. Last evaluated: 2026-01-14. Review status: criteria provided, single submitter. Criteria: Invitae Variant Classification Sherloc (09022015). Collection method: clinical testing. Allele origin: germline.

GeneDx
Classification: Uncertain significance. Last evaluated: 2016-09-15. Review status: criteria provided, single submitter. Criteria: GeneDx Variant Classification (06012015). Collection method: clinical testing. Allele origin: germline. Affected: yes.
Comment: To our knowledge, the E808K variant in the CARD14 gene has not been reported previously as a pathogenic variant, nor as a benign variant. It was not observed at any significant frequency in approximately 6,500 individuals of European and African American ancestry by the NHLBI Exome Sequencing Project. E808K is a non-conservative amino acid substitution, which is likely to impact secondary protein structure as these residues differ in polarity, charge, size and/or other properties. This substitution occurs at a position that is conserved in mammals. However, in silico analysis is inconsistent in its predictions as to whether or not the variant is damaging to the protein structure/function. Therefore, we interpret E808K as a variant of uncertain significance.

NM_001366385.1(CARD14):c.2422G>A (p.Glu808Lys)

Genes: SGSH (N-sulfoglucosamine sulfohydrolase; minus strand), CARD14 (caspase recruitment domain family member 14; plus strand), LOC126862662 (MED14-independent group 3 enhancer GRCh37_chr17:78178385-78179584; plus strand). Cytogenetic location: 17q25.3.
Variant type: single nucleotide variant.
Coding change: c.2422G>A on transcript NM_001366385.1 (MANE Select); coding-DNA position 2422, G replaced by A.
Protein change: p.Glu808Lys; replaces glutamic acid 808 with lysine.
Molecular consequence: missense variant. On other transcripts: non-coding transcript variant (1).
Genome position (GRCh38, 1-based): chr17:80,205,058, G>A. VCF-style: chr17-80205058-G-A. GRCh37 (hg19) VCF-style: chr17-78178857-G-A.
Other names: c.2422G>A, p.Glu808Lys (NM_024110.4); short protein forms E808K.
Identifiers: ClinVar variation 422207 (VCV000422207.7), dbSNP rs759612018, ClinGen allele CA8817326.